The following is an entry in ClinVar:

ClinVar aggregate classification (germline): Uncertain significance. Review status: criteria provided, multiple submitters, no conflicts (2 of 4 stars). 3 submissions from 3 submitters: Uncertain significance (3). Last evaluated 2026-07-16.

Conditions:
Tuberous sclerosis 1 (TSC1). Identifiers: Orphanet 805, MedGen C1854465, MONDO:0008612, OMIM 191100.
TSC1-related disorder. Also called: TSC1-related condition.
Hereditary cancer-predisposing syndrome. Also called: Hereditary neoplastic syndrome; Hereditary Cancer Syndrome; Tumor predisposition; Neoplastic Syndromes, Hereditary. Identifiers: Orphanet 140162, MedGen C0027672, MeSH D009386, MONDO:0015356.

Submissions (3):

PreventionGenetics, part of Exact Sciences
Classification: Uncertain significance for TSC1-related condition. Last evaluated: 2026-07-16. Review status: criteria provided, single submitter. Criteria: ACMG Guidelines, 2015. Collection method: clinical testing. Allele origin: germline.
Comment: The TSC1 c.1472C>G variant is predicted to result in the amino acid substitution p.Thr491Arg. To our knowledge, this variant has not been reported in the literature or in a large population database, indicating this variant is rare. At this time, the clinical significance of this variant is uncertain due to the absence of conclusive functional and genetic evidence.

Ambry Genetics
Classification: Uncertain significance for Hereditary cancer-predisposing syndrome. Last evaluated: 2026-06-12. Review status: criteria provided, single submitter. Criteria: Ambry Variant Classification Scheme 2023. Collection method: clinical testing. Allele origin: germline.
Comment: The p.T491R variant (also known as c.1472C>G), located in coding exon 13 of the TSC1 gene, results from a C to G substitution at nucleotide position 1472. The threonine at codon 491 is replaced by arginine, an amino acid with similar properties. This amino acid position is conserved. In addition, the in silico prediction for this alteration is inconclusive. Based on the available evidence, the clinical significance of this variant remains unclear.

Labcorp Genetics (formerly Invitae), Labcorp
Classification: Uncertain significance for Tuberous sclerosis 1. Last evaluated: 2024-07-26. Review status: criteria provided, single submitter. Criteria: Invitae Variant Classification Sherloc (09022015). Collection method: clinical testing. Allele origin: germline.
Comment: This sequence change replaces threonine, which is neutral and polar, with arginine, which is basic and polar, at codon 491 of the TSC1 protein (p.Thr491Arg). This variant is not present in population databases (gnomAD no frequency). This variant has not been reported in the literature in individuals affected with TSC1-related conditions. Advanced modeling of protein sequence and biophysical properties (such as structural, functional, and spatial information, amino acid conservation, physicochemical variation, residue mobility, and thermodynamic stability) performed at Invitae indicates that this missense variant is not expected to disrupt TSC1 protein function with a negative predictive value of 95%. In summary, the available evidence is currently insufficient to determine the role of this variant in disease. Therefore, it has been classified as a Variant of Uncertain Significance.

NM_000368.5(TSC1):c.1472C>G (p.Thr491Arg)

Gene: TSC1 (TSC complex subunit 1; minus strand). Cytogenetic location: 9q34.13.
Variant type: single nucleotide variant.
Coding change: c.1472C>G on transcript NM_000368.5 (MANE Select); coding-DNA position 1472, C replaced by G.
Protein change: p.Thr491Arg; replaces threonine 491 with arginine.
Molecular consequence: missense variant. On other transcripts: non-coding transcript variant (5).
Genome position (GRCh38, 1-based): chr9:132,906,106, G>C on the plus strand (C>G on the coding strand, the complement: TSC1 is on the minus strand). VCF-style: chr9-132906106-G-C. GRCh37 (hg19) VCF-style: chr9-135781493-G-C.
Other names: c.1472C>G, p.Thr491Arg (NM_001406595.1, NM_001406596.1, NM_001406601.1 and 7 more transcripts); c.1469C>G, p.Thr490Arg (NM_001406597.1, NM_001406598.1, NM_001406599.1 and 6 more transcripts); c.1109C>G, p.Thr370Arg (NM_001406614.1, NM_001406615.1, NM_001406616.1 and 5 more transcripts); c.1106C>G, p.Thr369Arg (NM_001406620.1, NM_001406621.1, NM_001406622.1 and 2 more transcripts); c.1319C>G, p.Thr440Arg (NM_001162427.2, NM_001406610.1); c.1316C>G, p.Thr439Arg (NM_001406611.1, NM_001406612.1, NM_001406613.1); c.521C>G, p.Thr174Arg (NM_001406626.1); c.518C>G, p.Thr173Arg (NM_001406627.1, NM_001406628.1); and 1 more; short protein forms T140R, T173R, T369R, T439R, T490R, T174R, T370R, T491R.
Identifiers: ClinVar variation 2793269 (VCV002793269.7), dbSNP rs1554816070, ClinGen allele CA375365482.